The following is an entry in ClinVar:

ClinVar aggregate classification (germline): Uncertain significance. Review status: criteria provided, multiple submitters, no conflicts (2 of 4 stars). 2 submissions from 2 submitters: Uncertain significance (2). Last evaluated 2024-08-28.

Allele frequency attached by ClinVar (database versions not stated): gnomAD exomes 0.00001.
gnomAD v4.1: 15 of 1,552,428 alleles (0.00097%); highest among the groups gnomAD compares: Admixed American, 0.0035%; no homozygotes.

Submissions (2):

Blueprint Genetics
Classification: Uncertain significance. Last evaluated: 2024-08-28. Review status: criteria provided, single submitter. Criteria: ACMG Guidelines, 2015. Collection method: clinical testing. Allele origin: germline.

Labcorp Genetics (formerly Invitae), Labcorp
Classification: Uncertain significance. Last evaluated: 2024-04-26. Review status: criteria provided, single submitter. Criteria: Invitae Variant Classification Sherloc (09022015). Collection method: clinical testing. Allele origin: germline.
Comment: This sequence change replaces leucine, which is neutral and non-polar, with valine, which is neutral and non-polar, at codon 8 of the ALPL protein (p.Leu8Val). This variant is present in population databases (no rsID available, gnomAD 0.0009%). This variant has not been reported in the literature in individuals affected with ALPL-related conditions. ClinVar contains an entry for this variant (Variation ID: 2191834). Advanced modeling of protein sequence and biophysical properties (such as structural, functional, and spatial information, amino acid conservation, physicochemical variation, residue mobility, and thermodynamic stability) performed at Invitae indicates that this missense variant is expected to disrupt ALPL protein function with a positive predictive value of 95%. In summary, the available evidence is currently insufficient to determine the role of this variant in disease. Therefore, it has been classified as a Variant of Uncertain Significance.

NM_000478.6(ALPL):c.22C>G (p.Leu8Val)

Gene: ALPL (alkaline phosphatase, biomineralization associated; plus strand). Cytogenetic location: 1p36.12.
Variant type: single nucleotide variant.
Coding change: c.22C>G on transcript NM_000478.6 (MANE Select); coding-DNA position 22, C replaced by G.
Protein change: p.Leu8Val; replaces leucine 8 with valine.
Molecular consequence: missense variant. On other transcripts: intron variant (2).
Genome position (GRCh38, 1-based): chr1:21,554,103, C>G. VCF-style: chr1-21554103-C-G. GRCh37 (hg19) VCF-style: chr1-21880596-C-G.
Other names: c.22C>G, p.Leu8Val (NM_001369803.2, NM_001369804.2, NM_001369805.2); c.-104-6523C>G (NM_001127501.4); c.-54-6523C>G (NM_001177520.3); short protein forms L8V.
Identifiers: ClinVar variation 2191834 (VCV002191834.4), dbSNP rs774559268, ClinGen allele CA19083720.